The following is an entry in ClinVar:

ClinVar aggregate classification (germline): Conflicting classifications of pathogenicity. Review status: criteria provided, conflicting classifications (1 of 4 stars). 8 submissions from 8 submitters: Uncertain significance (6); Benign (1); Likely benign (1). Last evaluated 2025-12-29.

Conditions:
Spinocerebellar ataxia, autosomal recessive, with axonal neuropathy 2 (SCAN2). Also called: Ataxia-ocular apraxia-2; Ataxia with Oculomotor Apraxia; ATAXIA-OCULOMOTOR APRAXIA 2; Ataxia with Oculomotor Apraxia Type 2. Identifiers: Orphanet 64753, MedGen C1853761, MONDO:0018996, OMIM 606002.
Amyotrophic lateral sclerosis type 4 (ALS4). Also called: NEURONOPATHY, DISTAL HEREDITARY MOTOR, WITH PYRAMIDAL FEATURES; AMYOTROPHIC LATERAL SCLEROSIS 4, JUVENILE. Identifiers: Orphanet 357043, MedGen C1865409, MONDO:0011223, OMIM 602433.
Hereditary spastic paraplegia. Also called: Familial spastic paraparesis. Identifiers: Orphanet 685, MedGen C0037773, MONDO:0019064. Disease mechanism: loss of function.
Inborn genetic diseases. Identifiers: MedGen C0950123, MeSH D030342.

Allele frequency attached by ClinVar (database versions not stated): gnomAD exomes 0.00013 and 0.00011; ESP Exome Variant Server 0.00008; TOPMed 0.00009; gnomAD 0.00011 and 0.00012; ExAC 0.00012.
gnomAD v4.1: 181 of 1,614,102 alleles (0.011%); highest among the groups gnomAD compares: Middle Eastern, 0.033%; no homozygotes.

Submissions (8):

Labcorp Genetics (formerly Invitae), Labcorp
Classification: Benign for Amyotrophic lateral sclerosis type 4; Spinocerebellar ataxia, autosomal recessive, with axonal neuropathy 2. Last evaluated: 2025-12-29. Review status: criteria provided, single submitter. Criteria: Invitae Variant Classification Sherloc (09022015). Collection method: clinical testing. Allele origin: germline.

Mayo Clinic Laboratories, Mayo Clinic
Classification: Uncertain significance. Last evaluated: 2025-12-04. Review status: criteria provided, single submitter. Criteria: ACMG Guidelines, 2015. Collection method: clinical testing. Allele origin: germline. Observed: 1 variant allele.
Comment: BP4

Athena Diagnostics
Classification: Uncertain significance. Last evaluated: 2025-11-06. Review status: criteria provided, single submitter. Criteria: Athena Diagnostics Criteria. Collection method: clinical testing. Allele origin: unknown.
Comment: Available data are insufficient to determine the clinical significance of the variant at this time. The frequency of this variant in the general population is uninformative in assessment of its pathogenicity. Polyphen and MutationTaster predict this amino acid change may be benign.

Ambry Genetics
Classification: Uncertain significance for Inborn genetic diseases. Last evaluated: 2025-04-08. Review status: criteria provided, single submitter. Criteria: Ambry Variant Classification Scheme 2023. Collection method: clinical testing. Allele origin: germline.

GeneDx
Classification: Likely benign. Last evaluated: 2021-05-30. Review status: criteria provided, single submitter. Criteria: GeneDx Variant Classification Process June 2021. Collection method: clinical testing. Allele origin: germline. Affected: yes.

CeGaT Center for Human Genetics Tuebingen
Classification: Uncertain significance. Last evaluated: 2021-03-01. Review status: criteria provided, single submitter. Criteria: CeGaT Center For Human Genetics Tuebingen Variant Classification Criteria Version 2. Collection method: clinical testing. Allele origin: germline. Affected: yes. Observed: 1 variant allele.

Genome Diagnostics Laboratory, The Hospital for Sick Children
Classification: Uncertain significance for Hereditary spastic paraplegia. Last evaluated: 2018-04-01. Review status: criteria provided, single submitter. Criteria: ACMG Guidelines, 2015. Collection method: clinical testing. Allele origin: germline. Affected: yes.

ARUP Laboratories, Molecular Genetics and Genomics, ARUP Laboratories
Classification: Uncertain significance. Last evaluated: 2018-01-12. Review status: criteria provided, single submitter. Criteria: ARUP Molecular Germline Variant Investigation Process. Collection method: clinical testing. Allele origin: germline.
Comment: The SETX c.5051C>G p.Ser1684Cys variant (rs140116005), to our knowledge, is not reported in the medical literature, gene specific variation databases, nor has it been previously identified by our laboratory. This variant is listed in the genome Aggregation Database (gnomAD) with an overall population frequency of 0.01 % (identified on 38 out of 277,110 chromosomes). The serine at position 1684 is weakly conserved, considering 12 species, and computational analyses of the effects of the p.Ser1684Cys variant on protein structure and function do not agree (SIFT: damaging, MutationTaster: polymorphism, PolyPhen-2: benign). Based on the available information, the clinical significance of the p.Ser1684Cys variant cannot be determined with certainty.

Literature cited by the submitters: PubMed 32397312 (cited by Athena Diagnostics).

NM_015046.7(SETX):c.5051C>G (p.Ser1684Cys)

Gene: SETX (senataxin; minus strand). Cytogenetic location: 9q34.13.
Variant type: single nucleotide variant.
Coding change: c.5051C>G on transcript NM_015046.7 (MANE Select); coding-DNA position 5051, C replaced by G.
Protein change: p.Ser1684Cys; replaces serine 1684 with cysteine.
Molecular consequence: missense variant.
Genome position (GRCh38, 1-based): chr9:132,326,547, G>C on the plus strand (C>G on the coding strand, the complement: SETX is on the minus strand). VCF-style: chr9-132326547-G-C. GRCh37 (hg19) VCF-style: chr9-135201934-G-C.
Other names: c.5051C>G, p.Ser1684Cys (NM_001351527.2, NM_001351528.2); short protein forms S1684C.
Identifiers: ClinVar variation 618872 (VCV000618872.59), dbSNP rs140116005, ClinGen allele CA5297080.
Genomic context (GRCh38, chr9:132,326,547, plus strand): 5'-TCTTTAACGAAGGTGTCAGAGACAGACTGTGATGACAAAAGAATGTTTACTGGAGAGGAA[G>C]ATGGAAAATATTTGCTTTCACCAAATGGAACTTTGCAACCTTGCCTGTTGGAATTATTCG-3'
Protein context (NP_055861.3, residues 1674-1694): VPFGESKYFP[Ser1684Cys]SSPVNILLSS